The following is an entry in ClinVar:

ClinVar aggregate classification (germline): Uncertain significance (0 of 4 stars; one submission).

Conditions:
PHACTR1-related disorder. Also called: PHACTR1-related condition.

Submission:

PreventionGenetics, part of Exact Sciences
Classification: Uncertain significance for PHACTR1-related condition. Last evaluated: 2024-09-20. Review status: no assertion criteria provided. Collection method: clinical testing. Allele origin: germline.
Comment: The PHACTR1 c.1177A>G variant is predicted to result in the amino acid substitution p.Thr393Ala. To our knowledge, this variant has not been reported in the literature or in a large population database, indicating this variant is rare. At this time, the clinical significance of this variant is uncertain due to the absence of conclusive functional and genetic evidence.

NM_030948.6(PHACTR1):c.967A>G (p.Thr323Ala)

Gene: PHACTR1 (phosphatase and actin regulator 1; plus strand). Cytogenetic location: 6p24.1.
Variant type: single nucleotide variant.
Coding change: c.967A>G on transcript NM_030948.6 (MANE Select); coding-DNA position 967, A replaced by G.
Protein change: p.Thr323Ala; replaces threonine 323 with alanine.
Molecular consequence: missense variant.
Genome position (GRCh38, 1-based): chr6:13,206,117, A>G. VCF-style: chr6-13206117-A-G. GRCh37 (hg19) VCF-style: chr6-13206349-A-G.
Other names: c.967A>G, p.Thr323Ala (NM_001242648.4, NM_001322308.3, NM_001322309.3 and 1 more transcripts); c.1174A>G, p.Thr392Ala (NM_001322310.2, NM_001374582.1); c.691A>G, p.Thr231Ala (NM_001322311.2, NM_001322312.3, NM_001374583.2); c.898A>G, p.Thr300Ala (NM_001322313.2); c.1177A>G, p.Thr393Ala (NM_001322314.4); short protein forms T231A, T300A, T323A, T392A, T393A.
Identifiers: ClinVar variation 3356368 (VCV003356368.1).